The following is an entry in ClinVar:

ClinVar aggregate classification (germline): Uncertain significance. Review status: criteria provided, multiple submitters, no conflicts (2 of 4 stars). 2 submissions from 2 submitters: Uncertain significance (2). Last evaluated 2025-05-19.

Submissions (2):

GeneDx
Classification: Uncertain significance. Last evaluated: 2025-05-19. Review status: criteria provided, single submitter. Criteria: GeneDx Variant Classification Process June 2021. Collection method: clinical testing. Allele origin: germline. Affected: yes.
Comment: Not observed at significant frequency in large population cohorts (gnomAD); In silico analysis supports that this missense variant has a deleterious effect on protein structure/function; Has not been previously published as pathogenic or benign to our knowledge

Labcorp Genetics (formerly Invitae), Labcorp
Classification: Uncertain significance. Last evaluated: 2025-02-20. Review status: criteria provided, single submitter. Criteria: Invitae Variant Classification Sherloc (09022015). Collection method: clinical testing. Allele origin: germline.
Comment: This sequence change replaces glycine, which is neutral and non-polar, with cysteine, which is neutral and slightly polar, at codon 157 of the COL4A3 protein (p.Gly157Cys). This variant is not present in population databases (gnomAD no frequency). This variant has not been reported in the literature in individuals affected with COL4A3-related conditions. An algorithm developed to predict the effect of missense changes on protein structure and function (PolyPhen-2) suggests that this variant is likely to be disruptive. In summary, the available evidence is currently insufficient to determine the role of this variant in disease. Therefore, it has been classified as a Variant of Uncertain Significance.

NM_000091.5(COL4A3):c.469G>T (p.Gly157Cys)

Genes: COL4A3 (collagen type IV alpha 3 chain; plus strand), MFF-DT (MFF divergent transcript; minus strand). Cytogenetic location: 2q36.3.
Variant type: single nucleotide variant.
Coding change: c.469G>T on transcript NM_000091.5 (MANE Select); coding-DNA position 469, G replaced by T.
Protein change: p.Gly157Cys; replaces glycine 157 with cysteine.
Molecular consequence: missense variant.
Genome position (GRCh38, 1-based): chr2:227,248,443, G>T. VCF-style: chr2-227248443-G-T. GRCh37 (hg19) VCF-style: chr2-228113159-G-T.
Other names: short protein forms G157C.
Identifiers: ClinVar variation 4530849 (VCV004530849.2).
Genomic context (GRCh38, chr2:227,248,443, plus strand): 5'-CTTGAAGGGGTTTTGAAAATATAACATTGATGATGTTTGATGAACTTCTTCATTTTCAAG[G>T]GTGCTCCTGCTAAAGAAGAAGATATAGAACTTGATGCAAAAGGCGACCCCGGGTTGCCAG-3'
Protein context (NP_000082.2, residues 147-167): PGAAGLKGQK[Gly157Cys]APAKEEDIEL